The following is an entry in ClinVar:

NM_001326411.2(PISD):c.695C>T (p.Pro232Leu)

Gene: PISD (phosphatidylserine decarboxylase; minus strand). Cytogenetic location: 22q12.2.
Variant type: single nucleotide variant.
Coding change: c.695C>T on transcript NM_001326411.2 (MANE Select); coding-DNA position 695, C replaced by T.
Protein change: p.Pro232Leu; replaces proline 232 with leucine.
Molecular consequence: missense variant.
Genome position (GRCh38, 1-based): chr22:31,621,336, G>A on the plus strand (C>T on the coding strand, the complement: PISD is on the minus strand). VCF-style: chr22-31621336-G-A. GRCh37 (hg19) VCF-style: chr22-32017322-G-A.
Other names: c.632C>T, p.Pro211Leu (NM_001326412.1, NM_001326413.2, NM_001326414.2); c.593C>T, p.Pro198Leu (NM_001326415.2, NM_001326416.2, NM_001326417.2 and 3 more transcripts); c.515C>T, p.Pro172Leu (NM_001326418.2, NM_001326420.2); c.695C>T, p.Pro232Leu (NM_001326421.1); short protein forms P232L, P198L, P172L, P211L.
Identifiers: ClinVar variation 2014633 (VCV002014633.4), dbSNP rs2523166593, ClinGen allele CA411286969.
Genomic context (GRCh38, chr22:31,621,336, plus strand): 5'-CTCCCGGTCCAGCCACACAGCAGCAGGGCTGCCTAGCCCCGCCTGTGCAGTGACCCACCT[G>A]GTGGGAAGGGCAGGTCCTCTGTGCACATACGCGGGCCCAGGAACGACTCCAGGGAGTAGG-3'
Protein context (NP_001313340.1, residues 222-242): RMCTEDLPFP[Pro232Leu]AASCDSFKNQ

ClinVar aggregate classification (germline): Uncertain significance (1 of 4 stars; one submission).

Submission:

Labcorp Genetics (formerly Invitae), Labcorp
Classification: Uncertain significance. Last evaluated: 2022-07-06. Review status: criteria provided, single submitter. Criteria: Invitae Variant Classification Sherloc (09022015). Collection method: clinical testing. Allele origin: germline.
Comment: Algorithms developed to predict the effect of sequence changes on RNA splicing suggest that this variant may create or strengthen a splice site. In summary, the available evidence is currently insufficient to determine the role of this variant in disease. Therefore, it has been classified as a Variant of Uncertain Significance. This sequence change replaces proline, which is neutral and non-polar, with leucine, which is neutral and non-polar, at codon 232 of the PISD protein (p.Pro232Leu). This variant is not present in population databases (gnomAD no frequency). This variant has not been reported in the literature in individuals affected with PISD-related conditions. Algorithms developed to predict the effect of missense changes on protein structure and function are either unavailable or do not agree on the potential impact of this missense change (SIFT: "Not Available"; PolyPhen-2: "Benign"; Align-GVGD: "Not Available").